The following is an entry in ClinVar:

NM_001004486.1(OR13H1):c.391C>T (p.Arg131Cys)

Gene: OR13H1 (olfactory receptor family 13 subfamily H member 1; plus strand). Cytogenetic location: Xq26.2.
Variant type: single nucleotide variant.
Coding change: c.391C>T on transcript NM_001004486.1 (MANE Select); coding-DNA position 391, C replaced by T.
Protein change: p.Arg131Cys; replaces arginine 131 with cysteine.
Molecular consequence: missense variant.
Genome position (GRCh38, 1-based): chrX:131,544,464, C>T. VCF-style: chrX-131544464-C-T. GRCh37 (hg19) VCF-style: chrX-130678438-C-T.
Other names: short protein forms R131C.
Identifiers: ClinVar variation 4861406 (VCV004861406.1).

ClinVar aggregate classification (germline): Uncertain significance (1 of 4 stars; one submission).

Submission:

Ambry Genetics
Classification: Uncertain significance. Last evaluated: 2026-05-27. Review status: criteria provided, single submitter. Criteria: Ambry Variant Classification Scheme 2023. Collection method: clinical testing. Allele origin: germline.
Comment: The c.391C>T (p.R131C) alteration is located in exon 1 (coding exon 1) of the OR13H1 gene. This alteration results from a C to T substitution at nucleotide position 391, causing the arginine (R) at amino acid position 131 to be replaced by a cysteine (C). Based on data from gnomAD, the T allele has an overall frequency of <0.001% (1/183322) total alleles studied. The highest observed frequency was 0.001% (1/81798) of European (non-Finnish) alleles. Based on insufficient or conflicting evidence, the clinical significance of this alteration remains unclear.